The following is an entry in ClinVar:

NM_000179.3(MSH6):c.114C>A (p.Pro38=)

Gene: MSH6 (mutS homolog 6; plus strand). Cytogenetic location: 2p16.3.
Variant type: single nucleotide variant.
Coding change: c.114C>A on transcript NM_000179.3 (MANE Select); coding-DNA position 114, C replaced by A.
Protein change: p.Pro38=; no amino-acid change (proline 38 retained).
Molecular consequence: synonymous variant. On other transcripts: 5 prime UTR variant (7), missense variant (1), non-coding transcript variant (5), intron variant (5).
Genome position (GRCh38, 1-based): chr2:47,783,347, C>A. VCF-style: chr2-47783347-C-A. GRCh37 (hg19) VCF-style: chr2-48010486-C-A.
Other names: c.114C>A, p.Pro38= (NM_001281492.2, NM_001406795.1, NM_001406796.1 and 9 more transcripts); c.-623C>A (NM_001281493.2, NM_001406811.1); c.-215C>A (NM_001406799.1); c.59C>A, p.Pro20Gln (NM_001406804.1); c.-815C>A (NM_001406807.1); c.-470C>A (NM_001406812.1); c.-881C>A (NM_001406814.1); c.-426C>A (NM_001406816.1); and 3 more; short protein forms P20Q.
Identifiers: ClinVar variation 3904064 (VCV003904064.1).
Genomic context (GRCh38, chr2:47,783,347, plus strand): 5'-TGATGCCAACAAGGCCTCGGCCAGGGCCTCACGCGAAGGCGGCCGTGCCGCCGCTGCCCC[C>A]GGGGCCTCTCCTTCCCCAGGCGGGGATGCGGCCTGGAGCGAGGCTGGGCCTGGGCCCAGG-3'
Protein context (NP_000170.1, residues 28-48): SREGGRAAAA[Pro38=]GASPSPGGDA

ClinVar aggregate classification (germline): Benign (1 of 4 stars; one submission).

Conditions:
Lynch syndrome 5 (LYNCH5). Also called: Colorectal cancer, hereditary nonpolyposis, type 5; Hereditary non-polyposis colorectal cancer, type 5. Identifiers: Orphanet 144, MedGen C1833477, MONDO:0013710, OMIM 614350. Disease mechanism: loss of function.

Submission:

Myriad Genetics, Inc.
Classification: Benign for Lynch syndrome 5. Last evaluated: 2024-12-17. Review status: criteria provided, single submitter. Criteria: Myriad Autosomal Dominant, Autosomal Recessive and X-Linked Classification Criteria (2023). Collection method: clinical testing. Allele origin: unknown.
Comment: This variant is considered benign. This variant is a silent/synonymous amino acid change and it is not expected to impact splicing.